The following is an entry in ClinVar:

ClinVar aggregate classification (germline): Likely benign. Review status: criteria provided, multiple submitters, no conflicts (2 of 4 stars). 4 submissions from 4 submitters: Likely benign (4). Last evaluated 2026-05-01.

Conditions:
Creatine transporter deficiency (CCDS1). Also called: CEREBRAL CREATINE DEFICIENCY SYNDROME 1; SLC6A8-Related Creatine Transporter Deficiency; CREATINE TRANSPORTER DEFECT; Creatine Transporter (CRTR) Deficiency; Mental retardation , X-linked with seizures, short stature and midface hypoplasia; Mental retardation , X-linked, with creatine transport deficiency. Identifiers: Orphanet 52503, MedGen C1845862, MONDO:0010305, OMIM 300352.

Allele frequency attached by ClinVar (database versions not stated): ExAC 0.00004; TOPMed 0.00005; gnomAD exomes 0.00007 and 0.00009; ESP Exome Variant Server 0.00019; gnomAD 0.00002.
gnomAD v4.1: 96 of 1,209,721 alleles (0.0079%); highest among the groups gnomAD compares: East Asian, 0.021%; no homozygotes.

Submissions (4):

CeGaT Center for Human Genetics Tuebingen
Classification: Likely benign. Last evaluated: 2026-05-01. Review status: criteria provided, single submitter. Criteria: CeGaT Center For Human Genetics Tuebingen Variant Classification Criteria Version 2. Collection method: clinical testing. Allele origin: germline. Affected: yes. Observed: 2 variant alleles.
Comment: SLC6A8: BP4, BP7, BS2

Labcorp Genetics (formerly Invitae), Labcorp
Classification: Likely benign for Creatine transporter deficiency. Last evaluated: 2026-01-12. Review status: criteria provided, single submitter. Criteria: Invitae Variant Classification Sherloc (09022015). Collection method: clinical testing. Allele origin: germline.

Blueprint Genetics
Classification: Likely benign. Last evaluated: 2024-06-24. Review status: criteria provided, single submitter. Criteria: ACMG Guidelines, 2015. Collection method: clinical testing. Allele origin: germline.

GeneDx
Classification: Likely benign. Last evaluated: 2021-06-23. Review status: criteria provided, single submitter. Criteria: GeneDx Variant Classification Process June 2021. Collection method: clinical testing. Allele origin: germline. Affected: yes.

NM_005629.4(SLC6A8):c.1614C>T (p.Asn538=)

Gene: SLC6A8 (solute carrier family 6 member 8; plus strand). Cytogenetic location: Xq28.
Variant type: single nucleotide variant.
Coding change: c.1614C>T on transcript NM_005629.4 (MANE Select); coding-DNA position 1614, C replaced by T.
Protein change: p.Asn538=; no amino-acid change (asparagine 538 retained).
Molecular consequence: synonymous variant.
Genome position (GRCh38, 1-based): chrX:153,694,736, C>T. VCF-style: chrX-153694736-C-T. GRCh37 (hg19) VCF-style: chrX-152960191-C-T.
Other names: c.1584C>T, p.Asn528= (NM_001142805.2); c.1269C>T, p.Asn423= (NM_001142806.1).
Identifiers: ClinVar variation 384044 (VCV000384044.35), dbSNP rs369726574, ClinGen allele CA10549601.